The following is an entry in ClinVar:

ClinVar aggregate classification (germline): Benign/Likely benign. Review status: criteria provided, multiple submitters, no conflicts (2 of 4 stars). 6 submissions from 6 submitters: Benign (4); Likely benign (1). 1 of the submissions does not count toward it. Last evaluated 2026-08-01.

Conditions:
VPS13C-related disorder. Also called: VPS13C-related condition.

Allele frequency attached by ClinVar (database versions not stated): 1000 Genomes Project 0.00439; TOPMed 0.00803; gnomAD 0.00824 and 0.00812; gnomAD exomes 0.00836 and 0.01181; ESP Exome Variant Server 0.00907; ExAC 0.00804; 1000 Genomes Project 30x 0.00390.
gnomAD v4.1: 18,459 of 1,614,178 alleles (1.1%); highest among the groups gnomAD compares: Non-Finnish European, 1.4%; 146 homozygotes.

Submissions (6):

CeGaT Center for Human Genetics Tuebingen
Classification: Benign. Last evaluated: 2026-08-01. Review status: criteria provided, single submitter. Criteria: CeGaT Center For Human Genetics Tuebingen Variant Classification Criteria Version 2. Collection method: clinical testing. Allele origin: germline. Affected: yes. Observed: 39 variant alleles.
Comment: VPS13C: BS1, BS2

Labcorp Genetics (formerly Invitae), Labcorp
Classification: Benign. Last evaluated: 2026-01-28. Review status: criteria provided, single submitter. Criteria: Invitae Variant Classification Sherloc (09022015). Collection method: clinical testing. Allele origin: germline.

Genomic Medicine Center of Excellence, King Faisal Specialist Hospital and Research Centre
Classification: Likely benign. Last evaluated: 2025-08-18. Review status: criteria provided, single submitter. Criteria: ACMG Guidelines, 2015. Collection method: clinical testing. Allele origin: germline.

Mayo Clinic Laboratories, Mayo Clinic
Classification: Benign. Last evaluated: 2023-06-02. Review status: criteria provided, single submitter. Criteria: ACMG Guidelines, 2015. Collection method: clinical testing. Allele origin: germline. Observed: 10 variant alleles.
Comment: BS1, BS2, BP4

Breakthrough Genomics
Classification: Benign. Review status: criteria provided, single submitter. Criteria: ACMG Guidelines, 2015. Collection method: not provided. Allele origin: germline. Inheritance: Autosomal recessive inheritance. Affected: yes.

PreventionGenetics, part of Exact Sciences
Classification: Benign for VPS13C-related condition. Last evaluated: 2019-03-25. Review status: no assertion criteria provided. Collection method: clinical testing. Allele origin: germline. Not counted in ClinVar's aggregate classification.
Comment: This variant is classified as benign based on ACMG/AMP sequence variant interpretation guidelines (Richards et al. 2015 PMID: 25741868, with internal and published modifications).

NM_020821.3(VPS13C):c.6469C>T (p.Leu2157Phe)

Gene: VPS13C (vacuolar protein sorting 13 homolog C; minus strand). Cytogenetic location: 15q22.2.
Variant type: single nucleotide variant.
Coding change: c.6469C>T on transcript NM_020821.3 (MANE Select); coding-DNA position 6469, C replaced by T.
Protein change: p.Leu2157Phe; replaces leucine 2157 with phenylalanine.
Molecular consequence: missense variant.
Genome position (GRCh38, 1-based): chr15:61,927,138, G>A on the plus strand (C>T on the coding strand, the complement: VPS13C is on the minus strand). VCF-style: chr15-61927138-G-A. GRCh37 (hg19) VCF-style: chr15-62219337-G-A.
Other names: p.Leu2157Phe; c.6469C>T, p.Leu2157Phe (NM_001018088.3); c.6340C>T, p.Leu2114Phe (NM_017684.5, NM_018080.4); short protein forms L2157F, L2114F.
Identifiers: ClinVar variation 770787 (VCV000770787.36), dbSNP rs75341202, ClinGen allele CA7595546.
Genomic context (GRCh38, chr15:61,927,138, plus strand): 5'-AGGTAATTCTTACTGTGGTAATGTTTTTCCCTCTCTTTTCTCTGAGAAAAGGGCAAGCGA[G>A]CACTTTCAGATCTCTCACAGAAGCTTCCATCATCTGTTCGAGTTTGGATGTTGACAGAGA-3'
Protein context (NP_065872.1, residues 2147-2167): MEASVRDLKV[Leu2157Phe]ACPFLREKRG